The following is an entry in ClinVar:

NM_001130009.3(GEN1):c.1678A>G (p.Ser560Gly)

Gene: GEN1 (GEN1 structure-specific endonuclease; plus strand). Cytogenetic location: 2p24.2.
Variant type: single nucleotide variant.
Coding change: c.1678A>G on transcript NM_001130009.3 (MANE Select); coding-DNA position 1678, A replaced by G.
Protein change: p.Ser560Gly; replaces serine 560 with glycine.
Molecular consequence: missense variant.
Genome position (GRCh38, 1-based): chr2:17,780,890, A>G. VCF-style: chr2-17780890-A-G. GRCh37 (hg19) VCF-style: chr2-17962157-A-G.
Other names: c.1678A>G, p.Ser560Gly (NM_182625.5); short protein forms S560G.
Identifiers: ClinVar variation 4671436 (VCV004671436.1).

ClinVar aggregate classification (germline): Uncertain significance (1 of 4 stars; one submission).

gnomAD v4.1: 2 of 1,613,868 alleles (0.00012%); highest among the groups gnomAD compares: Admixed American, 0.0033%; no homozygotes.

Submission:

Ambry Genetics
Classification: Uncertain significance. Last evaluated: 2025-09-16. Review status: criteria provided, single submitter. Criteria: Ambry Variant Classification Scheme 2023. Collection method: clinical testing. Allele origin: germline.
Comment: The p.S560G variant (also known as c.1678A>G), located in coding exon 13 of the GEN1 gene, results from an A to G substitution at nucleotide position 1678. The serine at codon 560 is replaced by glycine, an amino acid with similar properties. This amino acid position is conserved. In addition, this alteration is predicted to be tolerated by in silico analysis. Based on the available evidence, the clinical significance of this variant remains unclear.